The following is an entry in ClinVar:

ClinVar aggregate classification (germline): Conflicting classifications of pathogenicity. Review status: criteria provided, conflicting classifications (1 of 4 stars). 7 submissions from 7 submitters: Likely pathogenic (4); Uncertain significance (3). Last evaluated 2026-08-28.

Conditions:
DSC2-related disorders.
Cardiomyopathy (CMYO). Also called: Cardiomyopathies. Identifiers: Orphanet 167848, MedGen C0878544, MONDO:0004994, HP:0001638. Inheritance: Various modes of inheritance.
Arrhythmogenic right ventricular dysplasia 11. Also called: Arrhythmogenic Right Ventricular Dysplasia/Cardiomyopathy11; Arrhythmogenic right ventricular dysplasia 11 with mild palmoplantar keratoderma and woolly hair; ARRHYTHMOGENIC RIGHT VENTRICULAR DYSPLASIA, FAMILIAL, 11. Identifiers: MedGen C1864850, MONDO:0012506, OMIM 610476.

Submissions (7):

GeneDx
Classification: Likely pathogenic. Last evaluated: 2026-08-28. Review status: criteria provided, single submitter. Criteria: GeneDx Variant Classification Process June 2021. Collection method: clinical testing. Allele origin: germline.
Comment: Frameshift variant predicted to result in abnormal protein length as the last 102 amino acids are replaced with 55 different amino acids, and other similar variants have been reported in HGMD; Reported in conjunction with a pathogenic PKP2 variant in an individual with arrhythmogenic cardiomyopathy (PMID: 28069705); Not observed at significant frequency in large population cohorts (gnomAD); This variant is associated with the following publications: (PMID: 32880476, 35819174, 31386562, 36971006, 28069705, 28588093)

Color Diagnostics, LLC DBA Color Health
Classification: Uncertain significance for Cardiomyopathy. Last evaluated: 2025-07-07. Review status: criteria provided, single submitter. Criteria: ACMG Guidelines, 2015. Collection method: clinical testing. Allele origin: germline.
Comment: This variant deletes 1 nucleotide in exon 15 of the DSC2 gene, creating a frameshift and premature translation stop signal in the penultimate coding exon. This mutant transcript is predicted to escape nonsense-mediated decay and be expressed as a truncated protein. This variant has been reported in two individuals affected with arrhythmogenic right ventricular cardiomyopathy (PMID: 28588093, ClinVar SCV000063107.5). One of these two individuals also carried a pathogenic truncation variant in the PKP2 gene that could explain the observed phenotype (PMID: 28588093). This variant has also been reported in individuals affected with dilated cardiomyopathy (PMID: 32880476, 36971006)one of these individuals also carried a pathogenic truncation variant in the TTN gene (PMID: 36971006). This variant has not been identified in the general population by the Genome Aggregation Database (gnomAD). Clinical relevance of loss-of-function DSC2 truncation variants in autosomal dominant cardiovascular disorders is not clearly established. The available evidence is insufficient to determine the role of this variant in disease conclusively. Therefore, this variant is classified as a Variant of Uncertain Significance.

Labcorp Genetics (formerly Invitae), Labcorp
Classification: Uncertain significance for Arrhythmogenic right ventricular dysplasia 11. Last evaluated: 2025-05-09. Review status: criteria provided, single submitter. Criteria: Invitae Variant Classification Sherloc (09022015). Collection method: clinical testing. Allele origin: germline.
Comment: This sequence change creates a premature translational stop signal (p.Ala800Leufs*56) in the DSC2 gene. While this is not anticipated to result in nonsense mediated decay, it is expected to disrupt the last 102 amino acid(s) of the DSC2 protein. This variant is not present in population databases (gnomAD no frequency). This premature translational stop signal has been observed in individual(s) with clinical features of DSC2-related conditions (PMID: 28069705, 32880476). ClinVar contains an entry for this variant (Variation ID: 46180). Experimental studies and prediction algorithms are not available or were not evaluated, and the functional significance of this variant is currently unknown. In summary, the available evidence is currently insufficient to determine the role of this variant in disease. Therefore, it has been classified as a Variant of Uncertain Significance.

Blueprint Genetics
Classification: Likely pathogenic for DSC2-related disorders. Last evaluated: 2024-11-15. Review status: criteria provided, single submitter. Criteria: ACMG Guidelines, 2015. Collection method: clinical testing. Allele origin: germline. Affected: yes. Observed: 3 variant alleles.

CeGaT Center for Human Genetics Tuebingen
Classification: Likely pathogenic. Last evaluated: 2023-04-01. Review status: criteria provided, single submitter. Criteria: CeGaT Center For Human Genetics Tuebingen Variant Classification Criteria Version 2. Collection method: clinical testing. Allele origin: germline. Affected: yes. Observed: 2 variant alleles.
Comment: DSC2: PVS1:Strong, PM2

AiLife Diagnostics
Classification: Likely pathogenic. Last evaluated: 2021-08-31. Review status: criteria provided, single submitter. Criteria: ACMG Guidelines, 2015. Collection method: clinical testing. Allele origin: germline. Affected: yes. Observed: 1 variant allele.

Laboratory for Molecular Medicine, Mass General Brigham Personalized Medicine
Classification: Uncertain significance. Last evaluated: 2012-04-17. Review status: criteria provided, single submitter. Criteria: LMM Criteria. Collection method: clinical testing. Allele origin: germline. Observed: 1 variant allele.
Comment: Variant classified as Uncertain Significance - Favor Pathogenic. This frames hift variant is predicted to alter the protein?s amino acid sequence beginning a t position 800 and lead to a premature termination codon 56 amino acids downstre am. Premature termination often leads to degradation of the mRNA and therefore reduced or absent protein; however, this typically does not happen when the prem ature stop codon is located in the last exon as is the case in this individual. In summary, the presence of a variant in the DSC2 gene is consistent with this i ndividual?s clinical diagnosis. However, there is not yet enough data on whethe r this type of variant would cause ARVC. It is more likely that this variant ca uses disease but additional information is needed to establish this with confide nce.

Literature cited by the submitters: PubMed 28588093 (cited by Color Diagnostics, LLC DBA Color Health); PubMed 32880476 (cited by 3 submitters); PubMed 36971006 (cited by Color Diagnostics, LLC DBA Color Health); PubMed 28069705 (cited by Labcorp Genetics (formerly Invitae), Labcorp and AiLife Diagnostics); PubMed 31386562 (cited by AiLife Diagnostics).

NM_024422.6(DSC2):c.2398del (p.Ala800fs)

Gene: DSC2 (desmocollin 2; minus strand). Cytogenetic location: 18q12.1.
Variant type: Deletion.
Coding change: c.2398del on transcript NM_024422.6 (MANE Select); coding-DNA position 2398, one base deleted (G; older notation c.2398delG).
Protein change: p.Ala800fs; shifts the reading frame from alanine 800.
Molecular consequence: frameshift variant.
Genome position (GRCh38, 1-based): chr18:31,069,004, C deleted on the plus strand (G on the coding strand, the reverse complement: DSC2 is on the minus strand); the first of 6 consecutive C bases (chr18:31,069,004-31,069,009); deleting any one gives the same sequence. VCF-style (leftmost placement, unchanged base first): chr18-31069003-GC-G. GRCh37 (hg19) VCF-style: chr18-28648969-GC-G.
Other names: c.2398delG (NM_024422.3); c.2398del, p.Ala800fs (NM_004949.5); short protein forms A800fs.
Identifiers: ClinVar variation 46180 (VCV000046180.48), dbSNP rs397517399, ClinGen allele CA022712.